The following is an entry in ClinVar:

NM_024741.3(ZNF408):c.794G>T (p.Cys265Phe)

Gene: ZNF408 (zinc finger protein 408; plus strand). Cytogenetic location: 11p11.2.
Variant type: single nucleotide variant.
Coding change: c.794G>T on transcript NM_024741.3 (MANE Select); coding-DNA position 794, G replaced by T.
Protein change: p.Cys265Phe; replaces cysteine 265 with phenylalanine.
Molecular consequence: missense variant.
Genome position (GRCh38, 1-based): chr11:46,704,494, G>T. VCF-style: chr11-46704494-G-T. GRCh37 (hg19) VCF-style: chr11-46726044-G-T.
Other names: c.770G>T, p.Cys257Phe (NM_001184751.2); short protein forms C257F, C265F.
Identifiers: ClinVar variation 3361698 (VCV003361698.1).

ClinVar aggregate classification (germline): Uncertain significance (1 of 4 stars; one submission).

Submission:

GeneDx
Classification: Uncertain significance. Last evaluated: 2023-07-24. Review status: criteria provided, single submitter. Criteria: GeneDx Variant Classification Process June 2021. Collection method: clinical testing. Allele origin: germline. Affected: yes.
Comment: Not observed at significant frequency in large population cohorts (gnomAD); In silico analysis supports that this missense variant does not alter protein structure/function; Has not been previously published as pathogenic or benign to our knowledge